The following is an entry in ClinVar:

NM_003647.3(DGKE):c.433_443del (p.Cys145fs)

Gene: DGKE (diacylglycerol kinase epsilon; plus strand). Cytogenetic location: 17q22.
Variant type: Deletion.
Coding change: c.433_443del on transcript NM_003647.3 (MANE Select); coding-DNA positions 433 to 443, 11 bases deleted (TGTGGCTGTCA).
Protein change: p.Cys145fs; shifts the reading frame from cysteine 145.
Molecular consequence: frameshift variant.
Genome position (GRCh38, 1-based): chr17:56,835,228-56,835,238, TGTGGCTGTCA deleted. VCF-style (leftmost placement, unchanged base first): chr17-56835227-GTGTGGCTGTCA-G. GRCh37 (hg19) VCF-style: chr17-54912588-GTGTGGCTGTCA-G.
Other names: short protein forms C145fs.
Identifiers: ClinVar variation 4293294 (VCV004293294.1).

ClinVar aggregate classification (germline): Pathogenic (1 of 4 stars; one submission).

Conditions:
Immunoglobulin-mediated membranoproliferative glomerulonephritis. Also called: Nephrotic syndrome, type 7; NEPHROTIC SYNDROME, TYPE 7, WITH MEMBRANOPROLIFERATIVE GLOMERULONEPHRITIS. Identifiers: Orphanet 329903, MedGen C3554330, MONDO:0014005, OMIM 615008.

Submission:

3billion
Classification: Pathogenic for Immunoglobulin-mediated membranoproliferative glomerulonephritis. Last evaluated: 2025-01-22. Review status: criteria provided, single submitter. Criteria: ACMG Guidelines, 2015. Collection method: clinical testing. Allele origin: germline. Affected: yes.
Comment: The variant is not observed in the gnomAD v4.1.0 dataset. Predicted Consequence/Location: Frameshift: predicted to result in a loss or disruption of normal protein function through nonsense-mediated decay (NMD) or protein truncation. Multiple pathogenic variants are reported downstream of the variant. Therefore, this variant is classified as Pathogenic according to the recommendation of ACMG/AMP guideline.